The following is an entry in ClinVar:

NM_001365999.1(SZT2):c.1603A>G (p.Ile535Val)

Gene: SZT2 (SZT2 subunit of KICSTOR complex; plus strand). Cytogenetic location: 1p34.2.
Variant type: single nucleotide variant.
Coding change: c.1603A>G on transcript NM_001365999.1 (MANE Select); coding-DNA position 1603, A replaced by G.
Protein change: p.Ile535Val; replaces isoleucine 535 with valine.
Molecular consequence: missense variant.
Genome position (GRCh38, 1-based): chr1:43,421,280, A>G. VCF-style: chr1-43421280-A-G. GRCh37 (hg19) VCF-style: chr1-43886951-A-G.
Other names: c.1603A>G, p.Ile535Val (NM_015284.4); short protein forms I535V.
Identifiers: ClinVar variation 3769185 (VCV003769185.2).

ClinVar aggregate classification (germline): Uncertain significance (1 of 4 stars; one submission).

gnomAD v4.1: 2 of 1,598,430 alleles (0.00013%); highest among the groups gnomAD compares: Admixed American, 0.0017%; no homozygotes.

Submission:

Women's Health and Genetics/Laboratory Corporation of America, LabCorp
Classification: Uncertain significance. Last evaluated: 2025-01-29. Review status: criteria provided, single submitter. Criteria: LabCorp Variant Classification Summary - May 2015. Collection method: clinical testing. Allele origin: germline.
Comment: Variant summary: SZT2 c.1603A>G (p.Ile535Val) results in a conservative amino acid change in the encoded protein sequence. Three of three in-silico tools predict a benign effect of the variant on protein function. The variant was absent in 229392 control chromosomes. The available data on variant occurrences in the general population are insufficient to allow any conclusion about variant significance. To our knowledge, no occurrence of c.1603A>G in individuals affected with Early Infantile Epileptic Encephalopathy 18 and no experimental evidence demonstrating its impact on protein function have been reported. No submitters have cited clinical-significance assessments for this variant to ClinVar. Based on the evidence outlined above, the variant was classified as uncertain significance.